The following is an entry in ClinVar:

ClinVar aggregate classification (germline): Uncertain significance. Review status: criteria provided, multiple submitters, no conflicts (2 of 4 stars). 3 submissions from 3 submitters: Uncertain significance (3). Last evaluated 2025-12-04.

Conditions:
DNA ligase IV deficiency. Identifiers: Orphanet 99812, MedGen C1847827, MONDO:0011686, OMIM 606593.
Inborn genetic diseases. Identifiers: MedGen C0950123, MeSH D030342.

Allele frequency attached by ClinVar (database versions not stated): gnomAD exomes below 0.00001; TOPMed 0.00002; gnomAD 0.00003.
gnomAD v4.1: 12 of 1,614,080 alleles (0.00074%); highest among the groups gnomAD compares: South Asian, 0.0033%; no homozygotes.

Submissions (3):

Ambry Genetics
Classification: Uncertain significance for Inborn genetic diseases. Last evaluated: 2025-12-04. Review status: criteria provided, single submitter. Criteria: Ambry Variant Classification Scheme 2023. Collection method: clinical testing. Allele origin: germline.

Labcorp Genetics (formerly Invitae), Labcorp
Classification: Uncertain significance for DNA ligase IV deficiency. Last evaluated: 2024-04-30. Review status: criteria provided, single submitter. Criteria: Invitae Variant Classification Sherloc (09022015). Collection method: clinical testing. Allele origin: germline.
Comment: This sequence change replaces glycine, which is neutral and non-polar, with arginine, which is basic and polar, at codon 866 of the LIG4 protein (p.Gly866Arg). This variant is present in population databases (no rsID available, gnomAD 0.002%). This variant has not been reported in the literature in individuals affected with LIG4-related conditions. ClinVar contains an entry for this variant (Variation ID: 2164323). Advanced modeling of protein sequence and biophysical properties (such as structural, functional, and spatial information, amino acid conservation, physicochemical variation, residue mobility, and thermodynamic stability) has been performed at Invitae for this missense variant, however the output from this modeling did not meet the statistical confidence thresholds required to predict the impact of this variant on LIG4 protein function. In summary, the available evidence is currently insufficient to determine the role of this variant in disease. Therefore, it has been classified as a Variant of Uncertain Significance.

CeGaT Center for Human Genetics Tuebingen
Classification: Uncertain significance. Last evaluated: 2023-07-01. Review status: criteria provided, single submitter. Criteria: CeGaT Center For Human Genetics Tuebingen Variant Classification Criteria Version 2. Collection method: clinical testing. Allele origin: germline. Affected: yes. Observed: 1 variant allele.

NM_206937.2(LIG4):c.2596G>A (p.Gly866Arg)

Gene: LIG4 (DNA ligase 4; minus strand). Cytogenetic location: 13q33.3.
Variant type: single nucleotide variant.
Coding change: c.2596G>A on transcript NM_206937.2 (MANE Select); coding-DNA position 2596, G replaced by A.
Protein change: p.Gly866Arg; replaces glycine 866 with arginine.
Molecular consequence: missense variant.
Genome position (GRCh38, 1-based): chr13:108,208,673, C>T on the plus strand (G>A on the coding strand, the complement: LIG4 is on the minus strand). VCF-style: chr13-108208673-C-T. GRCh37 (hg19) VCF-style: chr13-108861021-C-T.
Other names: c.2596G>A, p.Gly866Arg (NM_001098268.2, NM_001352598.2, NM_001352599.2 and 6 more transcripts); c.2395G>A, p.Gly799Arg (NM_001330595.2); c.2632G>A, p.Gly878Arg (NM_001352604.2); short protein forms G799R, G866R, G878R.
Identifiers: ClinVar variation 2164323 (VCV002164323.26), dbSNP rs1218995387, ClinGen allele CA388610672.